The following is an entry in ClinVar:

ClinVar aggregate classification (germline): Uncertain significance. Review status: criteria provided, multiple submitters, no conflicts (2 of 4 stars). 2 submissions from 2 submitters: Uncertain significance (2). Last evaluated 2022-01-26.

Conditions:
Inborn genetic diseases. Identifiers: MedGen C0950123, MeSH D030342.

Allele frequency attached by ClinVar (database versions not stated): gnomAD exomes below 0.00001; TOPMed below 0.00001; ExAC 0.00001; gnomAD 0.00002.
gnomAD v4.1: 9 of 1,614,234 alleles (0.00056%); highest among the groups gnomAD compares: African/African-American, 0.0093%; no homozygotes.

Submissions (2):

Ambry Genetics
Classification: Uncertain significance for Inborn genetic diseases. Last evaluated: 2022-01-26. Review status: criteria provided, single submitter. Criteria: Ambry Variant Classification Scheme 2023. Collection method: clinical testing. Allele origin: germline.

Labcorp Genetics (formerly Invitae), Labcorp
Classification: Uncertain significance. Last evaluated: 2021-12-07. Review status: criteria provided, single submitter. Criteria: Invitae Variant Classification Sherloc (09022015). Collection method: clinical testing. Allele origin: germline.
Comment: This sequence change replaces leucine, which is neutral and non-polar, with proline, which is neutral and non-polar, at codon 385 of the MCM3AP protein (p.Leu385Pro). This variant is present in population databases (rs771857696, gnomAD 0.008%). This variant has not been reported in the literature in individuals affected with MCM3AP-related conditions. Algorithms developed to predict the effect of missense changes on protein structure and function output the following: SIFT: "Tolerated"; PolyPhen-2: "Benign"; Align-GVGD: "Class C0". The proline amino acid residue is found in multiple mammalian species, which suggests that this missense change does not adversely affect protein function. In summary, the available evidence is currently insufficient to determine the role of this variant in disease. Therefore, it has been classified as a Variant of Uncertain Significance.

NM_003906.5(MCM3AP):c.1154T>C (p.Leu385Pro)

Gene: MCM3AP (minichromosome maintenance complex component 3 associated protein; minus strand). Cytogenetic location: 21q22.3.
Variant type: single nucleotide variant.
Coding change: c.1154T>C on transcript NM_003906.5 (MANE Select); coding-DNA position 1154, T replaced by C.
Protein change: p.Leu385Pro; replaces leucine 385 with proline.
Molecular consequence: missense variant.
Genome position (GRCh38, 1-based): chr21:46,284,133, A>G on the plus strand (T>C on the coding strand, the complement: MCM3AP is on the minus strand). VCF-style: chr21-46284133-A-G. GRCh37 (hg19) VCF-style: chr21-47704047-A-G.
Other names: short protein forms L385P.
Identifiers: ClinVar variation 1921250 (VCV001921250.3), dbSNP rs771857696, ClinGen allele CA10077180.